The following is an entry in ClinVar:

NM_182643.3(DLC1):c.2189G>A (p.Arg730Gln)

Gene: DLC1 (DLC1 Rho GTPase activating protein; minus strand). Cytogenetic location: 8p22.
Variant type: single nucleotide variant.
Coding change: c.2189G>A on transcript NM_182643.3 (MANE Select); coding-DNA position 2189, G replaced by A.
Protein change: p.Arg730Gln; replaces arginine 730 with glutamine.
Molecular consequence: missense variant.
Genome position (GRCh38, 1-based): chr8:13,100,148, C>T on the plus strand (G>A on the coding strand, the complement: DLC1 is on the minus strand). VCF-style: chr8-13100148-C-T. GRCh37 (hg19) VCF-style: chr8-12957657-C-T.
Other names: c.656G>A, p.Arg219Gln (NM_001164271.2, NM_001348082.2, NM_001348083.1 and 1 more transcripts); c.980G>A, p.Arg327Gln (NM_001316668.2); c.2189G>A, p.Arg730Gln (NM_001348081.2); c.878G>A, p.Arg293Gln (NM_006094.5); c.2189G>A (NM_182643.2); short protein forms R219Q, R293Q, R327Q, R730Q.
Identifiers: ClinVar variation 1662576 (VCV001662576.24), dbSNP rs140340878, ClinGen allele CA4638691.
Genomic context (GRCh38, chr8:13,100,148, plus strand): 5'-CTGGTCTCCGACTGGCTGCTGCTGCTGCTGGTCTGCGTGGAGTTGGAAACGCTCCTCTTT[C>T]GTACCATGGGGACGTTGATGCGGTTGCCATTGAGGGCGGAGATCTCCACGCAGTTGAGCT-3'
Protein context (NP_872584.2, residues 720-740): NGNRINVPMV[Arg730Gln]KRSVSNSTQT

ClinVar aggregate classification (germline): Likely benign. Review status: criteria provided, multiple submitters, no conflicts (2 of 4 stars). 3 submissions from 3 submitters: Likely benign (2). 1 of the submissions does not count toward it. Last evaluated 2026-02-01.

Conditions:
DLC1-related disorder. Also called: DLC1-related condition.

Allele frequency attached by ClinVar (database versions not stated): 1000 Genomes Project 30x 0.00016; 1000 Genomes Project 0.00020; gnomAD exomes 0.00115 and 0.00264; ExAC 0.00121; gnomAD 0.00135 and 0.00138; TOPMed 0.00168; ESP Exome Variant Server 0.00192.
gnomAD v4.1: 4,089 of 1,614,142 alleles (0.25%); highest among the groups gnomAD compares: Non-Finnish European, 0.32%; 10 homozygotes.

Submissions (3):

Labcorp Genetics (formerly Invitae), Labcorp
Classification: Likely benign. Last evaluated: 2026-02-01. Review status: criteria provided, single submitter. Criteria: Invitae Variant Classification Sherloc (09022015). Collection method: clinical testing. Allele origin: germline.

CeGaT Center for Human Genetics Tuebingen
Classification: Likely benign. Last evaluated: 2024-09-01. Review status: criteria provided, single submitter. Criteria: CeGaT Center For Human Genetics Tuebingen Variant Classification Criteria Version 2. Collection method: clinical testing. Allele origin: germline. Affected: yes. Observed: 1 variant allele.
Comment: DLC1: BP4

PreventionGenetics, part of Exact Sciences
Classification: Likely benign for DLC1-related condition. Last evaluated: 2022-02-14. Review status: no assertion criteria provided. Collection method: clinical testing. Allele origin: germline. Not counted in ClinVar's aggregate classification.
Comment: This variant is classified as likely benign based on ACMG/AMP sequence variant interpretation guidelines (Richards et al. 2015 PMID: 25741868, with internal and published modifications).